The following is an entry in ClinVar:

ClinVar aggregate classification (germline): Uncertain significance. Review status: criteria provided, multiple submitters, no conflicts (2 of 4 stars). 2 submissions from 2 submitters: Uncertain significance (2). Last evaluated 2025-08-14.

Conditions:
Cardiovascular phenotype. Identifiers: MedGen CN230736.

Allele frequency attached by ClinVar (database versions not stated): TOPMed below 0.00001; gnomAD 0.00001.

Submissions (2):

GeneDx
Classification: Uncertain significance. Last evaluated: 2025-08-14. Review status: criteria provided, single submitter. Criteria: GeneDx Variant Classification Process June 2021. Collection method: clinical testing. Allele origin: germline. Affected: yes.
Comment: Not observed at significant frequency in large population cohorts (gnomAD); In silico analysis supports that this missense variant has a deleterious effect on protein structure/function; Has not been previously published as pathogenic or benign to our knowledge

Ambry Genetics
Classification: Uncertain significance for Cardiovascular phenotype. Last evaluated: 2019-03-29. Review status: criteria provided, single submitter. Criteria: Ambry Variant Classification Scheme 2023. Collection method: clinical testing. Allele origin: germline.
Comment: The p.G530R variant (also known as c.1588G>A), located in coding exon 15 of the ANK2 gene, results from a G to A substitution at nucleotide position 1588. The glycine at codon 530 is replaced by arginine, an amino acid with dissimilar properties. This alteration has been reported in a hypertrophic cardiomyopathy (HCM) cohort; however, clinical details were limited (Lopes LR et al. Heart, 2015 Feb;101:294-301). This amino acid position is highly conserved in available vertebrate species. In addition, this alteration is predicted to be deleterious by in silico analysis. Since supporting evidence is limited at this time, the clinical significance of this alteration remains unclear.

Literature cited by the submitters: PubMed 25351510 (cited by Ambry Genetics).

NM_001148.6(ANK2):c.1588G>A (p.Gly530Arg)

Gene: ANK2 (ankyrin 2; plus strand). Cytogenetic location: 4q26.
Variant type: single nucleotide variant.
Coding change: c.1588G>A on transcript NM_001148.6 (MANE Select); coding-DNA position 1588, G replaced by A.
Protein change: p.Gly530Arg; replaces glycine 530 with arginine.
Molecular consequence: missense variant.
Genome position (GRCh38, 1-based): chr4:113,274,554, G>A. VCF-style: chr4-113274554-G-A. GRCh37 (hg19) VCF-style: chr4-114195710-G-A.
Other names: c.1633G>A, p.Gly545Arg (NM_001354241.2, NM_001354242.2, NM_001386152.1 and 5 more transcripts); c.1525G>A, p.Gly509Arg (NM_001354243.2, NM_001354244.2, NM_001354252.2 and 14 more transcripts); c.1588G>A, p.Gly530Arg (NM_001354245.2, NM_001354246.2, NM_001354268.2 and 8 more transcripts); c.1501G>A, p.Gly501Arg (NM_001354249.2, NM_001354266.2, NM_001354267.2 and 13 more transcripts); c.1378G>A, p.Gly460Arg (NM_001354269.3); c.1390G>A, p.Gly464Arg (NM_001354273.2); c.1303G>A, p.Gly435Arg (NM_001386157.1, NM_001386158.1, NM_001354277.2); c.1546G>A, p.Gly516Arg (NM_001386160.1, NM_001354261.2, NM_001386147.1); and 4 more; short protein forms G460R, G526R, G464R, G516R, G547R, G435R, G501R, G509R.
Identifiers: ClinVar variation 1775849 (VCV001775849.3), dbSNP rs1181773712, ClinGen allele CA357907454.